The following is an entry in ClinVar:

NM_006231.4(POLE):c.3300A>G (p.Gln1100=)

Gene: POLE (DNA polymerase epsilon, catalytic subunit; minus strand). Cytogenetic location: 12q24.33.
Variant type: single nucleotide variant.
Coding change: c.3300A>G on transcript NM_006231.4 (MANE Select); coding-DNA position 3300, A replaced by G.
Protein change: p.Gln1100=; no amino-acid change (glutamine 1100 retained).
Molecular consequence: synonymous variant.
Genome position (GRCh38, 1-based): chr12:132,657,946, T>C on the plus strand (A>G on the coding strand, the complement: POLE is on the minus strand). VCF-style: chr12-132657946-T-C. GRCh37 (hg19) VCF-style: chr12-133234532-T-C.
Identifiers: ClinVar variation 3781529 (VCV003781529.2).
Genomic context (GRCh38, chr12:132,657,946, plus strand): 5'-TTGAAGGGAAGAGCTCTTGAGCCATTTCCGGAGAAAGTGCTTCCTCACCGTGGGCTCTGC[T>C]TGGAAAATGGCAAGTGGGATGGCCCTGGGTAAGGAAGACAGGCACACAGCTCAGTAACAG-3'
Protein context (NP_006222.2, residues 1090-1110): TERAIPLAIF[Gln1100=]AEPTVRKHFL

ClinVar aggregate classification (germline): Uncertain significance. Review status: criteria provided, multiple submitters, no conflicts (2 of 4 stars). 2 submissions from 2 submitters: Uncertain significance (2). Last evaluated 2025-11-10.

Conditions:
Hereditary cancer-predisposing syndrome. Also called: Neoplastic Syndromes, Hereditary; Hereditary Cancer Syndrome; Tumor predisposition; Hereditary neoplastic syndrome. Identifiers: Orphanet 140162, MedGen C0027672, MeSH D009386, MONDO:0015356.

Submissions (2):

Labcorp Genetics (formerly Invitae), Labcorp
Classification: Uncertain significance. Last evaluated: 2025-11-10. Review status: criteria provided, single submitter. Criteria: Invitae Variant Classification Sherloc (09022015). Collection method: clinical testing. Allele origin: germline.
Comment: This sequence change affects codon 1100 of the POLE mRNA. It is a 'silent' change, meaning that it does not change the encoded amino acid sequence of the POLE protein. This variant is not present in population databases (gnomAD no frequency). This variant has not been reported in the literature in individuals affected with POLE-related conditions. ClinVar contains an entry for this variant (Variation ID: 3781529). Algorithms developed to predict the effect of sequence changes on RNA splicing suggest that this variant may create or strengthen a splice site. In summary, the available evidence is currently insufficient to determine the role of this variant in disease. Therefore, it has been classified as a Variant of Uncertain Significance.

Ambry Genetics
Classification: Uncertain significance for Hereditary cancer-predisposing syndrome. Last evaluated: 2025-01-06. Review status: criteria provided, single submitter. Criteria: Ambry Variant Classification Scheme 2023. Collection method: clinical testing. Allele origin: germline.
Comment: The c.3300A>G variant (also known as p.Q1100Q), located in coding exon 27 of the POLE gene, results from an A to G substitution at nucleotide position 3300. This nucleotide substitution does not change the glutamine at codon 1100. This nucleotide position is not well conserved in available vertebrate species. In silico splice site analysis predicts that this alteration may result in the creation or strengthening of a novel splice acceptor site. Based on the available evidence, the clinical significance of this variant remains unclear.